The following is an entry in ClinVar:

ClinVar aggregate classification (germline): Uncertain significance (1 of 4 stars; one submission).

Submission:

Labcorp Genetics (formerly Invitae), Labcorp
Classification: Uncertain significance. Last evaluated: 2022-12-10. Review status: criteria provided, single submitter. Criteria: Invitae Variant Classification Sherloc (09022015). Collection method: clinical testing. Allele origin: germline.
Comment: In summary, the available evidence is currently insufficient to determine the role of this variant in disease. Therefore, it has been classified as a Variant of Uncertain Significance. Experimental studies and prediction algorithms are not available or were not evaluated, and the functional significance of this variant is currently unknown. This variant has not been reported in the literature in individuals affected with RNF31-related conditions. This variant is not present in population databases (gnomAD no frequency). This variant, c.1421_1429del, results in the deletion of 3 amino acid(s) of the RNF31 protein (p.Gly474_Pro476del), but otherwise preserves the integrity of the reading frame.

NM_017999.5(RNF31):c.1421_1429del (p.Gly474_Pro476del)

Gene: RNF31 (ring finger protein 31; plus strand). Cytogenetic location: 14q12.
Variant type: Deletion.
Coding change: c.1421_1429del on transcript NM_017999.5 (MANE Select); coding-DNA positions 1421 to 1429, 9 bases deleted (GAGATCCTG; older notation c.1421_1429delGAGATCCTG).
Protein change: p.Gly474_Pro476del.
Molecular consequence: inframe deletion.
Genome position (GRCh38, 1-based): chr14:24,150,821-24,150,829, GAGATCCTG deleted; deleting any 9 consecutive bases within chr14:24,150,819-24,150,829 gives the same sequence; the c. name uses the placement nearest the transcript's 3' end. VCF-style (leftmost placement, unchanged base first): chr14-24150818-GTGGAGATCC-G. GRCh37 (hg19) VCF-style: chr14-24620027-GTGGAGATCC-G.
Other names: c.968_976del, p.Gly323_Pro325del (NM_001310332.2).
Identifiers: ClinVar variation 3021456 (VCV003021456.3), dbSNP rs2502001024, ClinGen allele CA2575491827.
Genomic context (GRCh38, chr14:24,150,818, plus strand): 5'-AAAAGGGACCCCCCAAGCCTGGGCCCCCACGACGCCTTAGTGCCCCCCTGCCCAGTTCCT[GTGGAGATCC>G]TGAGAAGCAGCGCCAAGACAAGATGCGGGAAGAAGGCCTCCAGCTAGTGAGCATGATCCG-3'